The following is an entry in ClinVar:

NM_006924.5(SRSF1):c.380-1G>A

Genes: SRSF1 (serine and arginine rich splicing factor 1; minus strand), LOC126862603 (BRD4-independent group 4 enhancer GRCh37_chr17:56082218-56083417; plus strand). Cytogenetic location: 17q22.
Variant type: single nucleotide variant.
Coding change: c.380-1G>A on transcript NM_006924.5 (MANE Select); the canonical splice acceptor site of the intron before coding-DNA position 380, G replaced by A.
Molecular consequence: splice acceptor variant.
Genome position (GRCh38, 1-based): chr17:58,005,974, C>T on the plus strand (G>A on the coding strand, the complement: SRSF1 is on the minus strand). VCF-style: chr17-58005974-C-T. GRCh37 (hg19) VCF-style: chr17-56083335-C-T.
Other names: c.380-1G>A (NM_001078166.2).
Identifiers: ClinVar variation 4977879 (VCV004977879.1).

ClinVar aggregate classification (germline): Pathogenic (1 of 4 stars; one submission).

Conditions:
SRSF1-related condition.

Submission:

PreventionGenetics, part of Exact Sciences
Classification: Pathogenic for SRSF1-related condition. Last evaluated: 2024-12-29. Review status: criteria provided, single submitter. Criteria: ACMG Guidelines, 2015. Collection method: clinical testing. Allele origin: germline.
Comment: The SRSF1 c.380-1G>A variant is predicted to disrupt the AG splice acceptor site and interfere with normal splicing. To our knowledge, this variant has not been reported in the literature or in a large population database (gnomAD), indicating this variant is rare. Loss-of-function variants in SRSF1 are expected to be pathogenic. This variant is interpreted as pathogenic.